The following is an entry in ClinVar:

ClinVar aggregate classification (germline): Uncertain significance (1 of 4 stars; one submission).

Conditions:
PKD1-related disorder. Also called: PKD1-related condition.

Submission:

PreventionGenetics, part of Exact Sciences
Classification: Uncertain significance for PKD1-related condition. Last evaluated: 2025-09-02. Review status: criteria provided, single submitter. Criteria: ACMG Guidelines, 2015. Collection method: clinical testing. Allele origin: germline.
Comment: The PKD1 c.12439A>G variant is predicted to result in the amino acid substitution p.Lys4147Glu. This variant, along with a de novo WT1 missense variant, has been reported in an individual with Denys-Drash syndrome who presented with bilateral renal cortical cysts (Eneman et al 2014. PubMed ID: 24379226). This variant was also found in the patient's mother (no renal cysts) and grandfather (bilateral renal cysts), but no additional studies were performed to assess its pathogenicity. This variant has not been reported in a large population database (gnomAD), indicating this variant is rare. Although we suspect that this variant may be pathogenic, at this time, the clinical significance of this variant is uncertain due to the absence of conclusive functional and genetic evidence.

NM_001009944.3(PKD1):c.12439A>G (p.Lys4147Glu)

Gene: PKD1 (polycystin 1, transient receptor potential channel interacting; minus strand). Cytogenetic location: 16p13.3.
Variant type: single nucleotide variant.
Coding change: c.12439A>G on transcript NM_001009944.3 (MANE Select); coding-DNA position 12439, A replaced by G.
Protein change: p.Lys4147Glu; replaces lysine 4147 with glutamic acid.
Molecular consequence: missense variant.
Genome position (GRCh38, 1-based): chr16:2,090,290, T>C on the plus strand (A>G on the coding strand, the complement: PKD1 is on the minus strand). VCF-style: chr16-2090290-T-C. GRCh37 (hg19) VCF-style: chr16-2140291-T-C.
Other names: c.12436A>G, p.Lys4146Glu (NM_000296.4); short protein forms K4146E, K4147E.
Identifiers: ClinVar variation 3052364 (VCV003052364.3), dbSNP rs2544584169, ClinGen allele CA394324510.
Genomic context (GRCh38, chr16:2,090,290, plus strand): 5'-CACCCTGGGCAGAGCCCAGGGCGTGTCCCTCTCCCCCCCACTGGGCCGTACCCACCTCCT[T>C]GACCTTGCTGAGGCCCATCCAGAGGCGCAGCCTGCGCAGGAACAACTCCACCATCTCGTA-3'
Protein context (NP_001009944.3, residues 4137-4157): LRLWMGLSKV[Lys4147Glu]EFRHKVRFEG